The following is an entry in ClinVar:

ClinVar aggregate classification (germline): Uncertain significance (1 of 4 stars; one submission).

Conditions:
Axenfeld-Rieger syndrome type 3 (RIEG3). Also called: AXENFELD-RIEGER ANOMALY WITH CARDIAC DEFECTS AND/OR SENSORINEURAL HEARING LOSS. Identifiers: Orphanet 782, MedGen C2678503, MONDO:0011233, OMIM 602482.

Submission:

Labcorp Genetics (formerly Invitae), Labcorp
Classification: Uncertain significance for Axenfeld-Rieger syndrome type 3. Last evaluated: 2025-09-03. Review status: criteria provided, single submitter. Criteria: Invitae Variant Classification Sherloc (09022015). Collection method: clinical testing. Allele origin: germline.
Comment: This sequence change replaces threonine, which is neutral and polar, with arginine, which is basic and polar, at codon 542 of the FOXC1 protein (p.Thr542Arg). This variant is not present in population databases (gnomAD no frequency). This variant has not been reported in the literature in individuals affected with FOXC1-related conditions. An algorithm developed to predict the effect of missense changes on protein structure and function (PolyPhen-2) suggests that this variant is likely to be disruptive. In summary, the available evidence is currently insufficient to determine the role of this variant in disease. Therefore, it has been classified as a Variant of Uncertain Significance.

NM_001453.3(FOXC1):c.1625C>G (p.Thr542Arg)

Gene: FOXC1 (forkhead box C1; plus strand). Cytogenetic location: 6p25.3.
Variant type: single nucleotide variant.
Coding change: c.1625C>G on transcript NM_001453.3 (MANE Select); coding-DNA position 1625, C replaced by G.
Protein change: p.Thr542Arg; replaces threonine 542 with arginine.
Molecular consequence: missense variant.
Genome position (GRCh38, 1-based): chr6:1,612,070, C>G. VCF-style: chr6-1612070-C-G. GRCh37 (hg19) VCF-style: chr6-1612305-C-G.
Other names: short protein forms T542R.
Identifiers: ClinVar variation 4779950 (VCV004779950.1).